The following is an entry in ClinVar:

ClinVar aggregate classification (germline): Uncertain significance (1 of 4 stars; one submission).

Submission:

Labcorp Genetics (formerly Invitae), Labcorp
Classification: Uncertain significance. Last evaluated: 2024-10-08. Review status: criteria provided, single submitter. Criteria: Invitae Variant Classification Sherloc (09022015). Collection method: clinical testing. Allele origin: germline.
Comment: This sequence change replaces proline, which is neutral and non-polar, with leucine, which is neutral and non-polar, at codon 2146 of the HIVEP2 protein (p.Pro2146Leu). This variant is not present in population databases (gnomAD no frequency). This variant has not been reported in the literature in individuals affected with HIVEP2-related conditions. An algorithm developed to predict the effect of missense changes on protein structure and function (PolyPhen-2) suggests that this variant is likely to be disruptive. In summary, the available evidence is currently insufficient to determine the role of this variant in disease. Therefore, it has been classified as a Variant of Uncertain Significance.

NM_006734.4(HIVEP2):c.6437C>T (p.Pro2146Leu)

Gene: HIVEP2 (HIVEP zinc finger 2; minus strand). Cytogenetic location: 6q24.2.
Variant type: single nucleotide variant.
Coding change: c.6437C>T on transcript NM_006734.4 (MANE Select); coding-DNA position 6437, C replaced by T.
Protein change: p.Pro2146Leu; replaces proline 2146 with leucine.
Molecular consequence: missense variant.
Genome position (GRCh38, 1-based): chr6:142,759,851, G>A on the plus strand (C>T on the coding strand, the complement: HIVEP2 is on the minus strand). VCF-style: chr6-142759851-G-A. GRCh37 (hg19) VCF-style: chr6-143080988-G-A.
Other names: short protein forms P2146L.
Identifiers: ClinVar variation 3664396 (VCV003664396.2).